The following is an entry in ClinVar:

NM_003664.5(AP3B1):c.1531C>T (p.Pro511Ser)

Gene: AP3B1 (adaptor related protein complex 3 subunit beta 1; minus strand). Cytogenetic location: 5q14.1.
Variant type: single nucleotide variant.
Coding change: c.1531C>T on transcript NM_003664.5 (MANE Select); coding-DNA position 1531, C replaced by T.
Protein change: p.Pro511Ser; replaces proline 511 with serine.
Molecular consequence: missense variant.
Genome position (GRCh38, 1-based): chr5:78,141,262, G>A on the plus strand (C>T on the coding strand, the complement: AP3B1 is on the minus strand). VCF-style: chr5-78141262-G-A. GRCh37 (hg19) VCF-style: chr5-77437086-G-A.
Other names: c.1384C>T, p.Pro462Ser (NM_001271769.2); c.1531C>T, p.Pro511Ser (NM_001410752.1); short protein forms P511S, P462S.
Identifiers: ClinVar variation 2824799 (VCV002824799.3), dbSNP rs2531030298, ClinGen allele CA360188979.

ClinVar aggregate classification (germline): Uncertain significance (1 of 4 stars; one submission).

Conditions:
Hermansky-Pudlak syndrome 2 (HPS2). Also called: Platelet defects and oculocutaneous albinism. Identifiers: Orphanet 183678, Orphanet 79430, MedGen C1842362, MONDO:0011997, OMIM 608233.

Submission:

Labcorp Genetics (formerly Invitae), Labcorp
Classification: Uncertain significance for Hermansky-Pudlak syndrome 2. Last evaluated: 2022-12-29. Review status: criteria provided, single submitter. Criteria: Invitae Variant Classification Sherloc (09022015). Collection method: clinical testing. Allele origin: germline.
Comment: This sequence change replaces proline, which is neutral and non-polar, with serine, which is neutral and polar, at codon 511 of the AP3B1 protein (p.Pro511Ser). This variant is not present in population databases (gnomAD no frequency). This variant has not been reported in the literature in individuals affected with AP3B1-related conditions. Algorithms developed to predict the effect of missense changes on protein structure and function are either unavailable or do not agree on the potential impact of this missense change (SIFT: "Deleterious"; PolyPhen-2: "Possibly Damaging"; Align-GVGD: "Class C0"). In summary, the available evidence is currently insufficient to determine the role of this variant in disease. Therefore, it has been classified as a Variant of Uncertain Significance.